The following is an entry in ClinVar:

NM_001039141.3(TRIOBP):c.1715G>A (p.Arg572Gln)

Gene: TRIOBP (TRIO and F-actin binding protein; plus strand). Cytogenetic location: 22q13.1.
Variant type: single nucleotide variant.
Coding change: c.1715G>A on transcript NM_001039141.3 (MANE Select); coding-DNA position 1715, G replaced by A.
Protein change: p.Arg572Gln; replaces arginine 572 with glutamine.
Molecular consequence: missense variant.
Genome position (GRCh38, 1-based): chr22:37,724,271, G>A. VCF-style: chr22-37724271-G-A. GRCh37 (hg19) VCF-style: chr22-38120278-G-A.
Other names: short protein forms R572Q.
Identifiers: ClinVar variation 1496196 (VCV001496196.3), dbSNP rs375378994, ClinGen allele CA10223656.
Genomic context (GRCh38, chr22:37,724,271, plus strand): 5'-CCTGTGCCCAGCGGGACAATCCCAGAGCCTCCAGAACCTCCTCTCCCAATAGAGCCACAC[G>A]AGACAACCCCAGAACATCCTGTGCCCAGCGGGACAATCCCAGAGCCTCCTCTCCCAATAG-3'
Protein context (NP_001034230.1, residues 562-582): SRTSSPNRAT[Arg572Gln]DNPRTSCAQR

ClinVar aggregate classification (germline): Uncertain significance (1 of 4 stars; one submission).

Allele frequency attached by ClinVar (database versions not stated): gnomAD exomes below 0.00001 and 0.00001; ExAC 0.00003; gnomAD 0.00007 and 0.00008; ESP Exome Variant Server 0.00033.
gnomAD v4.1: 15 of 1,569,660 alleles (0.00096%); highest among the groups gnomAD compares: African/African-American, 0.014%; no homozygotes.

Submission:

Labcorp Genetics (formerly Invitae), Labcorp
Classification: Uncertain significance. Last evaluated: 2021-09-14. Review status: criteria provided, single submitter. Criteria: Invitae Variant Classification Sherloc (09022015). Collection method: clinical testing. Allele origin: germline.
Comment: This sequence change replaces arginine with glutamine at codon 572 of the TRIOBP protein (p.Arg572Gln). The arginine residue is weakly conserved and there is a small physicochemical difference between arginine and glutamine. The frequency data for this variant in the population databases is considered unreliable, as metrics indicate poor data quality at this position in the ExAC database. This variant has not been reported in the literature in individuals affected with TRIOBP-related conditions. Algorithms developed to predict the effect of missense changes on protein structure and function output the following: SIFT: "Deleterious"; PolyPhen-2: "Benign"; Align-GVGD: "Class C0". The glutamine amino acid residue is found in multiple mammalian species, which suggests that this missense change does not adversely affect protein function. In summary, the available evidence is currently insufficient to determine the role of this variant in disease. Therefore, it has been classified as a Variant of Uncertain Significance.